The following is an entry in ClinVar:

ClinVar aggregate classification (germline): Uncertain significance (1 of 4 stars; one submission).

Allele frequency attached by ClinVar (database versions not stated): gnomAD exomes below 0.00001.
gnomAD v4.1: 2 of 1,592,136 alleles (0.00013%); highest among the groups gnomAD compares: South Asian, 0.0012%; no homozygotes.

Submission:

Labcorp Genetics (formerly Invitae), Labcorp
Classification: Uncertain significance. Last evaluated: 2022-06-22. Review status: criteria provided, single submitter. Criteria: Invitae Variant Classification Sherloc (09022015). Collection method: clinical testing. Allele origin: germline.
Comment: This sequence change replaces isoleucine, which is neutral and non-polar, with valine, which is neutral and non-polar, at codon 588 of the ERBIN protein (p.Ile588Val). This variant is not present in population databases (gnomAD no frequency). This variant has not been reported in the literature in individuals affected with ERBIN-related conditions. Algorithms developed to predict the effect of missense changes on protein structure and function output the following: SIFT: "Tolerated"; PolyPhen-2: "Benign"; Align-GVGD: "Class C0". The valine amino acid residue is found in multiple mammalian species, which suggests that this missense change does not adversely affect protein function. In summary, the available evidence is currently insufficient to determine the role of this variant in disease. Therefore, it has been classified as a Variant of Uncertain Significance.

NM_001253697.2(ERBIN):c.1762A>G (p.Ile588Val)

Gene: ERBIN (erbb2 interacting protein; plus strand). Cytogenetic location: 5q12.3.
Variant type: single nucleotide variant.
Coding change: c.1762A>G on transcript NM_001253697.2 (MANE Select); coding-DNA position 1762, A replaced by G.
Protein change: p.Ile588Val; replaces isoleucine 588 with valine.
Molecular consequence: missense variant.
Genome position (GRCh38, 1-based): chr5:66,046,512, A>G. VCF-style: chr5-66046512-A-G. GRCh37 (hg19) VCF-style: chr5-65342340-A-G.
Other names: c.1762A>G, p.Ile588Val (NM_001006600.3, NM_001253698.2, NM_001253699.2 and 1 more transcripts); c.1750A>G, p.Ile584Val (NM_001253701.2); short protein forms I584V, I588V.
Identifiers: ClinVar variation 2009443 (VCV002009443.4), dbSNP rs2546786918, ClinGen allele CA359862844.
Genomic context (GRCh38, chr5:66,046,512, plus strand): 5'-ATTAGTCCTGGGAGTTTACCAGTGACTGCAAATATGAAAGCCTCTGAGAACTTGAAGCAT[A>G]TTGTTAACCATGATGATGTTTTTGAGGTATGATTTTATGATTATTCTGGAGCAACTATAA-3'
Protein context (NP_001240626.1, residues 578-598): NMKASENLKH[Ile588Val]VNHDDVFEES